The following is an entry in ClinVar:

ClinVar aggregate classification (germline): Uncertain significance (1 of 4 stars; one submission).

gnomAD v4.1: 1 of 1,550,288 alleles (0.000065%); highest among the groups gnomAD compares: Non-Finnish European, 0.000087%; no homozygotes.

Submission:

Labcorp Genetics (formerly Invitae), Labcorp
Classification: Uncertain significance. Last evaluated: 2022-02-04. Review status: criteria provided, single submitter. Criteria: Invitae Variant Classification Sherloc (09022015). Collection method: clinical testing. Allele origin: germline.
Comment: This sequence change replaces glycine, which is neutral and non-polar, with valine, which is neutral and non-polar, at codon 2000 of the ZNF469 protein (p.Gly2000Val). This variant is not present in population databases (gnomAD no frequency). This variant has not been reported in the literature in individuals affected with ZNF469-related conditions. Algorithms developed to predict the effect of missense changes on protein structure and function (SIFT, PolyPhen-2, Align-GVGD) all suggest that this variant is likely to be tolerated. In summary, the available evidence is currently insufficient to determine the role of this variant in disease. Therefore, it has been classified as a Variant of Uncertain Significance.

NM_001367624.2(ZNF469):c.6083G>T (p.Gly2028Val)

Gene: ZNF469 (zinc finger protein 469; plus strand). Cytogenetic location: 16q24.2.
Variant type: single nucleotide variant.
Coding change: c.6083G>T on transcript NM_001367624.2 (MANE Select); coding-DNA position 6083, G replaced by T.
Protein change: p.Gly2028Val; replaces glycine 2028 with valine.
Molecular consequence: missense variant.
Genome position (GRCh38, 1-based): chr16:88,433,553, G>T. VCF-style: chr16-88433553-G-T. GRCh37 (hg19) VCF-style: chr16-88499961-G-T.
Other names: short protein forms G2028V.
Identifiers: ClinVar variation 1960035 (VCV001960035.5), dbSNP rs2507592418, ClinGen allele CA397103857.